The following is an entry in ClinVar:

NM_001105206.3(LAMA4):c.2593A>G (p.Met865Val)

Gene: LAMA4 (laminin subunit alpha 4; minus strand). Cytogenetic location: 6q21.
Variant type: single nucleotide variant.
Coding change: c.2593A>G on transcript NM_001105206.3 (MANE Select); coding-DNA position 2593, A replaced by G.
Protein change: p.Met865Val; replaces methionine 865 with valine.
Molecular consequence: missense variant.
Genome position (GRCh38, 1-based): chr6:112,142,193, T>C on the plus strand (A>G on the coding strand, the complement: LAMA4 is on the minus strand). VCF-style: chr6-112142193-T-C. GRCh37 (hg19) VCF-style: chr6-112463395-T-C.
Other names: c.2572A>G, p.Met858Val (NM_001105207.3, NM_002290.5); short protein forms M858V, M865V.
Identifiers: ClinVar variation 950726 (VCV000950726.9), dbSNP rs1554333478, ClinGen allele CA365381809.

ClinVar aggregate classification (germline): Uncertain significance (1 of 4 stars; one submission).

Conditions:
Dilated cardiomyopathy 1JJ (CMD1JJ). Identifiers: Orphanet 154, MedGen C3808935, MONDO:0014095, OMIM 615235.

gnomAD v4.1: 2 of 1,614,166 alleles (0.00012%); highest among the groups gnomAD compares: Non-Finnish European, 0.00017%; no homozygotes.

Submission:

Labcorp Genetics (formerly Invitae), Labcorp
Classification: Uncertain significance for Dilated cardiomyopathy 1JJ. Last evaluated: 2022-07-25. Review status: criteria provided, single submitter. Criteria: Invitae Variant Classification Sherloc (09022015). Collection method: clinical testing. Allele origin: germline.
Comment: In summary, the available evidence is currently insufficient to determine the role of this variant in disease. Therefore, it has been classified as a Variant of Uncertain Significance. Algorithms developed to predict the effect of missense changes on protein structure and function output the following: SIFT: "Deleterious"; PolyPhen-2: "Benign"; Align-GVGD: "Class C0". The valine amino acid residue is found in multiple mammalian species, which suggests that this missense change does not adversely affect protein function. ClinVar contains an entry for this variant (Variation ID: 950726). This variant has not been reported in the literature in individuals affected with LAMA4-related conditions. This variant is not present in population databases (gnomAD no frequency). This sequence change replaces methionine, which is neutral and non-polar, with valine, which is neutral and non-polar, at codon 858 of the LAMA4 protein (p.Met858Val).